The following is an entry in ClinVar:

NM_000478.6(ALPL):c.1302_1306dup (p.Tyr436fs)

Gene: ALPL (alkaline phosphatase, biomineralization associated; plus strand). Cytogenetic location: 1p36.12.
Variant type: Duplication.
Coding change: c.1302_1306dup on transcript NM_000478.6 (MANE Select); coding-DNA positions 1302 to 1306, 5 bases duplicated (GGACT; older notation c.1302_1306dupGGACT).
Protein change: p.Tyr436fs; shifts the reading frame from tyrosine 436.
Molecular consequence: frameshift variant.
Genome position (GRCh38, 1-based): chr1:21,576,634-21,576,638, GGACT duplicated; duplicating any 5 consecutive bases within chr1:21,576,633-21,576,638 gives the same sequence; the c. name uses the placement nearest the transcript's 3' end. VCF-style (leftmost placement, unchanged base first): chr1-21576632-G-GTGGAC. GRCh37 (hg19) VCF-style: chr1-21903125-G-GTGGAC.
Other names: c.1137_1141dup, p.Tyr381fs (NM_001127501.4); c.1071_1075dup, p.Tyr359fs (NM_001177520.3); c.1302_1306dup, p.Tyr436fs (NM_001369803.2, NM_001369804.2, NM_001369805.2); short protein forms Y436fs, Y359fs, Y381fs.
Identifiers: ClinVar variation 2101782 (VCV002101782.4), dbSNP rs2545347747, ClinGen allele CA2580061480.

ClinVar aggregate classification (germline): Pathogenic (1 of 4 stars; one submission).

Submission:

Labcorp Genetics (formerly Invitae), Labcorp
Classification: Pathogenic. Last evaluated: 2024-11-23. Review status: criteria provided, single submitter. Criteria: Invitae Variant Classification Sherloc (09022015). Collection method: clinical testing. Allele origin: germline.
Comment: This sequence change creates a premature translational stop signal (p.Tyr436Trpfs*50) in the ALPL gene. While this is not anticipated to result in nonsense mediated decay, it is expected to disrupt the last 89 amino acid(s) of the ALPL protein. This variant is not present in population databases (gnomAD no frequency). This variant has not been reported in the literature in individuals affected with ALPL-related conditions. ClinVar contains an entry for this variant (Variation ID: 2101782). This variant disrupts a region of the ALPL protein in which other variant(s) (p.Arg450Cys) have been determined to be pathogenic (PMID: 9781036, 17212778, 29159075). This suggests that this is a clinically significant region of the protein, and that variants that disrupt it are likely to be disease-causing. For these reasons, this variant has been classified as Pathogenic.

Literature cited by the submitters: PubMed 9781036; PubMed 17212778; PubMed 29159075.